The following is an entry in ClinVar:

ClinVar aggregate classification (germline): Uncertain significance (1 of 4 stars; one submission).

Conditions:
Peutz-Jeghers syndrome (PJS). Also called: POLYPOSIS, HAMARTOMATOUS INTESTINAL; POLYPS-AND-SPOTS SYNDROME; Peutz-Jeghers polyposis; Periorificial lentiginosis syndrome. Identifiers: Orphanet 2869, MedGen C0031269, MeSH D010580, MONDO:0008280, OMIM 175200.

Submission:

Labcorp Genetics (formerly Invitae), Labcorp
Classification: Uncertain significance for Peutz-Jeghers syndrome. Last evaluated: 2023-01-10. Review status: criteria provided, single submitter. Criteria: Invitae Variant Classification Sherloc (09022015). Collection method: clinical testing. Allele origin: germline.
Comment: This variant has not been reported in the literature in individuals affected with STK11-related conditions. This variant is not present in population databases (gnomAD no frequency). This sequence change replaces arginine, which is basic and polar, with glycine, which is neutral and non-polar, at codon 147 of the STK11 protein (p.Arg147Gly). Advanced modeling of protein sequence and biophysical properties (such as structural, functional, and spatial information, amino acid conservation, physicochemical variation, residue mobility, and thermodynamic stability) has been performed at Invitae for this missense variant, however the output from this modeling did not meet the statistical confidence thresholds required to predict the impact of this variant on STK11 protein function. In summary, the available evidence is currently insufficient to determine the role of this variant in disease. Therefore, it has been classified as a Variant of Uncertain Significance. Algorithms developed to predict the effect of sequence changes on RNA splicing suggest that this variant may disrupt the consensus splice site.

NM_000455.5(STK11):c.439C>G (p.Arg147Gly)

Gene: STK11 (serine/threonine kinase 11; plus strand). Cytogenetic location: 19p13.3.
Variant type: single nucleotide variant.
Coding change: c.439C>G on transcript NM_000455.5 (MANE Select); coding-DNA position 439, C replaced by G.
Protein change: p.Arg147Gly; replaces arginine 147 with glycine.
Molecular consequence: missense variant. On other transcripts: non-coding transcript variant (1).
Genome position (GRCh38, 1-based): chr19:1,219,388, C>G. VCF-style: chr19-1219388-C-G. GRCh37 (hg19) VCF-style: chr19-1219387-C-G.
Other names: c.439C>G, p.Arg147Gly (NM_001407255.1); short protein forms R147G.
Identifiers: ClinVar variation 2827484 (VCV002827484.3), dbSNP rs748464757, ClinGen allele CA402948322.